The following is an entry in ClinVar:

NM_000492.4(CFTR):c.4137-1G>A

Gene: CFTR (CF transmembrane conductance regulator; plus strand). Cytogenetic location: 7q31.2.
Variant type: single nucleotide variant.
Coding change: c.4137-1G>A on transcript NM_000492.4 (MANE Select); the canonical splice acceptor site of the intron before coding-DNA position 4137, G replaced by A.
Molecular consequence: splice acceptor variant.
Genome position (GRCh38, 1-based): chr7:117,665,458, G>A. VCF-style: chr7-117665458-G-A. GRCh37 (hg19) VCF-style: chr7-117305512-G-A.
Identifiers: ClinVar variation 4818552 (VCV004818552.1).
Genomic context (GRCh38, chr7:117,665,458, plus strand): 5'-AGGTAAATACAGATCATTACTGTTCTGTGATATTATGTGTGGTATTTTCTTTCTTTTCTA[G>A]AACATACCAAATAATTAGAAGAACTCTAAAACAAGCATTTGCTGATTGCACAGTAATTCT-3'

ClinVar aggregate classification (germline): Likely pathogenic (1 of 4 stars; one submission).

Conditions:
CFTR-related disorder (CFTR-RD). Also called: CFTR-related disorders; CFTR-related condition. Identifiers: MedGen C5924204, MONDO:7770004.

Submission:

Natera, Inc.
Classification: Likely pathogenic for CFTR-related disorders. Last evaluated: 2025-09-21. Review status: criteria provided, single submitter. Criteria: Natera Variant Classification Schema (03/2026). Collection method: clinical testing. Allele origin: germline.
Comment: The c.4137-1G>A variant in CFTR is a canonical splice acceptor site variant predicted to affect pre-mRNA splicing, which may result in an abnormal transcript and altered protein product. This variant is expected to result in nonsense mediated decay, truncation, or a dysfunctional protein product. This variant is rare in the general population with a frequency below the threshold expected for the associated phenotype(s). Given the available evidence, this variant is classified as Likely Pathogenic.